The following is an entry in ClinVar:

ClinVar aggregate classification (germline): Uncertain significance (1 of 4 stars; one submission).

Conditions:
Wilms tumor 1 (WT1). Also called: Wilms tumor, somatic. Identifiers: Orphanet 654, MedGen CN033288, MONDO:0008679, OMIM 194070.
11p partial monosomy syndrome (WAGR). Also called: WAGR Complex; WAGR syndrome; WAGR Spectrum Disorder; CHROMOSOME 11p13 DELETION SYNDROME. Identifiers: Orphanet 893, MedGen C0206115, MONDO:0008681, OMIM 194072.
Drash syndrome (DDS). Also called: WILMS TUMOR AND PSEUDO- OR TRUE HERMAPHRODITISM; NEPHROPATHY, WILMS TUMOR, AND GENITAL ANOMALIES. Identifiers: Orphanet 220, MedGen C0950121, MONDO:0008682, OMIM 194080.
Frasier syndrome. Identifiers: Orphanet 347, MedGen C0950122, MeSH D052159, MONDO:0007635, OMIM 136680.

Submission:

Labcorp Genetics (formerly Invitae), Labcorp
Classification: Uncertain significance for Wilms tumor 1; Drash syndrome; 11p partial monosomy syndrome; Frasier syndrome. Last evaluated: 2022-01-26. Review status: criteria provided, single submitter. Criteria: Invitae Variant Classification Sherloc (09022015). Collection method: clinical testing. Allele origin: germline.
Comment: Algorithms developed to predict the effect of missense changes on protein structure and function (SIFT, PolyPhen-2, Align-GVGD) all suggest that this variant is likely to be disruptive. In summary, the available evidence is currently insufficient to determine the role of this variant in disease. Therefore, it has been classified as a Variant of Uncertain Significance. ClinVar contains an entry for this variant (Variation ID: 1001993). This variant has not been reported in the literature in individuals affected with WT1-related conditions. This variant is not present in population databases (gnomAD no frequency). This sequence change replaces arginine, which is basic and polar, with lysine, which is basic and polar, at codon 401 of the WT1 protein (p.Arg401Lys).

NM_024426.6(WT1):c.1217G>A (p.Arg406Lys)

Gene: WT1 (WT1 transcription factor; minus strand). Cytogenetic location: 11p13.
Variant type: single nucleotide variant.
Coding change: c.1217G>A on transcript NM_024426.6 (MANE Select); coding-DNA position 1217, G replaced by A.
Protein change: p.Arg406Lys; replaces arginine 406 with lysine.
Molecular consequence: missense variant. On other transcripts: non-coding transcript variant (1).
Genome position (GRCh38, 1-based): chr11:32,396,304, C>T on the plus strand (G>A on the coding strand, the complement: WT1 is on the minus strand). VCF-style: chr11-32396304-C-T. GRCh37 (hg19) VCF-style: chr11-32417850-C-T.
Other names: c.1166G>A, p.Arg389Lys (NM_000378.6, NM_001407045.1, NM_001407048.1 and 1 more transcripts); c.566G>A, p.Arg189Lys (NM_001198551.2); c.515G>A, p.Arg172Lys (NM_001198552.2); c.29G>A, p.Arg10Lys (NM_001367854.1); c.1211G>A, p.Arg404Lys (NM_001407044.1); c.1217G>A, p.Arg406Lys (NM_001407046.1, NM_024424.5); c.1094G>A, p.Arg365Lys (NM_001407047.1); c.1043G>A, p.Arg348Lys (NM_001407050.1); and 2 more; short protein forms R10K, R172K, R189K, R389K, R406K, R384K, R152K, R365K.
Identifiers: ClinVar variation 1001993 (VCV001001993.10), dbSNP rs1851967853, ClinGen allele CA379959874.